The following is an entry in ClinVar:

NM_001035.3(RYR2):c.14090+270T>C

Gene: RYR2 (ryanodine receptor 2; plus strand). Cytogenetic location: 1q43.
Variant type: single nucleotide variant.
Coding change: c.14090+270T>C on transcript NM_001035.3 (MANE Select); 270 bases into the intron after coding-DNA position 14090, T replaced by C.
Molecular consequence: intron variant.
Genome position (GRCh38, 1-based): chr1:237,798,440, T>C. VCF-style: chr1-237798440-T-C. GRCh37 (hg19) VCF-style: chr1-237961740-T-C.
Identifiers: ClinVar variation 683800 (VCV000683800.1), dbSNP rs2794817, ClinGen allele CA10978345.

ClinVar aggregate classification (germline): Benign (1 of 4 stars; one submission).

Allele frequency attached by ClinVar (database versions not stated): gnomAD 0.66887 and 0.67822; TOPMed 0.67784; 1000 Genomes Project 30x 0.74984; 1000 Genomes Project 0.75699.
gnomAD v4.1: 103,036 of 151,900 alleles (68%); highest among the groups gnomAD compares: East Asian, 95%; 35,376 homozygotes.

Submission:

GeneDx
Classification: Benign. Last evaluated: 2018-06-18. Review status: criteria provided, single submitter. Criteria: GeneDx Variant Classification (06012015). Collection method: clinical testing. Allele origin: germline. Affected: yes.
Comment: This variant is considered likely benign or benign based on one or more of the following criteria: it is a conservative change, it occurs at a poorly conserved position in the protein, it is predicted to be benign by multiple in silico algorithms, and/or has population frequency not consistent with disease.